The following is an entry in ClinVar:

ClinVar aggregate classification (germline): Uncertain significance (1 of 4 stars; one submission).

Submission:

New York Genome Center
Classification: Uncertain significance. Last evaluated: 2021-07-30. Review status: criteria provided, single submitter. Criteria: NYGC Assertion Criteria 2020. Collection method: clinical testing. Allele origin: inherited. Observed: 1 heterozygote. Study: CSER-NYCKidSeq.
Comment: Duplications and deletions involving CNTN6 gene have been implicated as possible susceptibility factors for neurodevelopmental disorders including developmentaldelays, intellectual disability, autism spectrum disorder, and seizures [PMID: 26257835, 30508811]. There are a considerable number of individuals with duplicationsand deletions spanning this CNTN6 region in both Database of Genome Variants (DGV) and gnomAD, which indicates a potential tolerance of genomic imbalance inthis region. Further, the ClinGen dosage sensitivity curation for CNTN6 duplications found no evidence for dosage pathogenicity (Triplosensitivity score: 0). Inheritance from an unaffected parent has been reported for CNTN6 duplications indicating incomplete penetrance and/or phenotypic heterogeneity [PMID:26257835]. The clinical significance of CNTN6 partial duplications is currently uncertain [PMID: 30836150]. Given the lack of compelling evidence for its pathogenicity, the inherited ~580 Kb duplication seen in this individual is reported as a Variant of Uncertain Significance.

Single allele

Genes: CNTN6 (contactin 6; plus strand), LINC01266 (long intergenic non-protein coding RNA 1266; plus strand), LOC126806587 (BRD4-independent group 4 enhancer GRCh37_chr3:1277185-1278384; plus strand), LOC129936035 (ATAC-STARR-seq lymphoblastoid silent region 14006; plus strand). Cytogenetic location: 3p26.3.
Variant type: Duplication.
Identifiers: ClinVar variation 1696437 (VCV001696437.1).